The following is an entry in ClinVar:

ClinVar aggregate classification (germline): Uncertain significance (1 of 4 stars; one submission).

Conditions:
Familial focal epilepsy with variable foci (FPEVF). Identifiers: Orphanet 98820, MedGen C1858477, MONDO:0020310.

Submission:

Labcorp Genetics (formerly Invitae), Labcorp
Classification: Uncertain significance for Familial focal epilepsy with variable foci. Last evaluated: 2019-07-11. Review status: criteria provided, single submitter. Criteria: Invitae Variant Classification Sherloc (09022015). Collection method: clinical testing. Allele origin: germline.
Comment: This variant has not been reported in the literature in individuals with DEPDC5-related conditions. ClinVar contains an entry for this variant (Variation ID: 466495). This variant is not present in population databases (ExAC no frequency). This sequence change falls in intron 11 of the DEPDC5 gene. It does not directly change the encoded amino acid sequence of the DEPDC5 protein, but it affects a nucleotide within the consensus splice site of the intron. Nucleotide substitutions within the consensus splice site are a relatively common cause of aberrant splicing (PMID: 17576681, 9536098). Algorithms developed to predict the effect of sequence changes on RNA splicing suggest that this variant may disrupt the consensus splice site, but this prediction has not been confirmed by published transcriptional studies. In summary, the available evidence is currently insufficient to determine the role of this variant in disease. Therefore, it has been classified as a Variant of Uncertain Significance.

Literature cited by the submitters: PubMed 17576681; PubMed 9536098.

NM_001242896.3(DEPDC5):c.694+3_694+6del

Gene: DEPDC5 (DEP domain containing 5, GATOR1 subcomplex subunit; plus strand). Cytogenetic location: 22q12.2.
Variant type: Deletion.
Coding change: c.694+3_694+6del on transcript NM_001242896.3 (MANE Select); bases 3 to 6 of the intron after coding-DNA position 694, 4 bases deleted (GAGT; older notation c.694+3_694+6delGAGT).
Molecular consequence: splice donor variant.
Genome position (GRCh38, 1-based): chr22:31,792,105-31,792,108, GAGT deleted; deleting any 4 consecutive bases within chr22:31,792,103-31,792,108 gives the same sequence; the c. name uses the placement nearest the transcript's 3' end. VCF-style (leftmost placement, unchanged base first): chr22-31792102-GGTGA-G. GRCh37 (hg19) VCF-style: chr22-32188088-GGTGA-G.
Other names: c.694+3_694+6del (NM_001364318.2, NM_001136029.4, NM_014662.6 and 7 more transcripts); c.610+3_610+6del (NM_001369902.1, NM_001369901.1).
Identifiers: ClinVar variation 466495 (VCV000466495.8), dbSNP rs1351154360, ClinGen allele CA639058913.
Genomic context (GRCh38, chr22:31,792,102, plus strand): 5'-TGTAGTCATGAAGTGACAGTGGTCCTGTTTTCTAGAACTTTCTATGATGCAAAATCTGTT[GGTGA>G]GTAACTATTTCTCTCCTACAGTTATGTTTTTGTTAAGCTTCCCCCAACCCCACCCCAGCC-3'